The following is an entry in ClinVar:

NM_012463.4(ATP6V0A2):c.564T>G (p.Phe188Leu)

Gene: ATP6V0A2 (ATPase H+ transporting V0 subunit a2; plus strand). Cytogenetic location: 12q24.31.
Variant type: single nucleotide variant.
Coding change: c.564T>G on transcript NM_012463.4 (MANE Select); coding-DNA position 564, T replaced by G.
Protein change: p.Phe188Leu; replaces phenylalanine 188 with leucine.
Molecular consequence: missense variant.
Genome position (GRCh38, 1-based): chr12:123,727,825, T>G. VCF-style: chr12-123727825-T-G. GRCh37 (hg19) VCF-style: chr12-124212372-T-G.
Other names: short protein forms F188L.
Identifiers: ClinVar variation 1933885 (VCV001933885.2), dbSNP rs1336844108, ClinGen allele CA387152393.

ClinVar aggregate classification (germline): Uncertain significance (1 of 4 stars; one submission).

Conditions:
ALG9 congenital disorder of glycosylation (CDG1L). Also called: CDG Il; CONGENITAL DISORDER OF GLYCOSYLATION, TYPE Il; ALG9-CDG. Identifiers: Orphanet 79328, MedGen C2931006, MONDO:0012117, OMIM 608776.

Allele frequency attached by ClinVar (database versions not stated): gnomAD exomes below 0.00001; TOPMed 0.00002; gnomAD 0.00003.
gnomAD v4.1: 6 of 1,614,056 alleles (0.00037%); highest among the groups gnomAD compares: Non-Finnish European, 0.00051%; no homozygotes.

Submission:

Labcorp Genetics (formerly Invitae), Labcorp
Classification: Uncertain significance for ALG9 congenital disorder of glycosylation. Last evaluated: 2022-01-19. Review status: criteria provided, single submitter. Criteria: Invitae Variant Classification Sherloc (09022015). Collection method: clinical testing. Allele origin: germline.
Comment: This sequence change replaces phenylalanine, which is neutral and non-polar, with leucine, which is neutral and non-polar, at codon 188 of the ATP6V0A2 protein (p.Phe188Leu). This variant is not present in population databases (gnomAD no frequency). This variant has not been reported in the literature in individuals affected with ATP6V0A2-related conditions. Algorithms developed to predict the effect of missense changes on protein structure and function are either unavailable or do not agree on the potential impact of this missense change (SIFT: "Tolerated"; PolyPhen-2: "Probably Damaging"; Align-GVGD: "Class C0"). In summary, the available evidence is currently insufficient to determine the role of this variant in disease. Therefore, it has been classified as a Variant of Uncertain Significance.